The following is an entry in ClinVar:

ClinVar aggregate classification (germline): Likely pathogenic. Review status: reviewed by expert panel (3 of 4 stars). 2 submissions from 2 submitters: Likely pathogenic (1). 1 of the submissions does not count toward it. Last evaluated 2026-01-06.

Conditions:
DICER1-related tumor predisposition. Also called: DICER1-related pleuropulmonary blastoma cancer predisposition syndrome; DICER1 syndrome. Identifiers: Orphanet 284343, MedGen C3839822, MONDO:0100216.
Euthyroid goiter (MNG1). Also called: GOITER, NONTOXIC, WITH INTRATHYROIDAL CALCIFICATION; MULTINODULAR GOITER, ADOLESCENT; SIMPLE GOITER; Goiter, multinodular 1, with or without Sertoli-Leydig cell tumors. Identifiers: Orphanet 276399, MedGen C0302859, MONDO:0007681, OMIM 138800, HP:0009798.

Submissions (2):

ClinGen DICER1 and miRNA-Processing Gene Variant Curation Expert Panel, ClinGen
Classification: Likely pathogenic for DICER1-related tumor predisposition. Last evaluated: 2026-01-06. Review status: reviewed by expert panel. Criteria: ClinGen DICER1 ACMG Specifications DICER1 V1.4.0. Collection method: curation. Allele origin: germline. Inheritance: Autosomal dominant inheritance.
Comment: The NM_177438.2:c.2685dup (p.Phe896IlefsTer6) variant in DICER1 is a frameshift variant predicted to cause a premature stop codon in biologically-relevant exon 17/27 leading to nonsense-mediated decay in a gene in which loss-of-function is an established disease mechanism (PVS1). This variant was reported in a single proband as germline; however, clinical information was not provided (PS4 not met; PMID: 34008892, ClinVar GTR SCV001364258.1). This variant is absent from gnomAD v4.1.0 (PM2_Supporting). In summary, this variant meets the criteria to be classified as Likely Pathogenic for DICER1-related tumor predisposition based on the ACMG/AMP criteria applied, as specified by the ClinGen DICER1 VCEP: PVS1, PM2_supporting. (Bayesian Points: 9; VCEP specifications version 1.4.0; 01/06/2026)

Laboratory of Medical Genetics, National & Kapodistrian University of Athens
Classification: Pathogenic for Euthyroid goiter. Last evaluated: 2020-02-19. Review status: no assertion criteria provided. Collection method: clinical testing. Allele origin: inherited. Affected: yes. Not counted in ClinVar's aggregate classification.

NM_177438.3(DICER1):c.2685dup (p.Phe896fs)

Gene: DICER1 (dicer 1, ribonuclease III; minus strand). Cytogenetic location: 14q32.13.
Variant type: Duplication.
Coding change: c.2685dup on transcript NM_177438.3 (MANE Select); coding-DNA position 2685, one base duplicated (A; older notation c.2685dupA).
Protein change: p.Phe896fs; shifts the reading frame from phenylalanine 896.
Molecular consequence: frameshift variant.
Genome position (GRCh38, 1-based): chr14:95,107,727, T duplicated on the plus strand (A on the coding strand, the reverse complement: DICER1 is on the minus strand); the first of 3 consecutive T bases (chr14:95,107,727-95,107,729); duplicating any one gives the same sequence. VCF-style (leftmost placement, unchanged base first): chr14-95107726-A-AT. GRCh37 (hg19) VCF-style: chr14-95574063-A-AT.
Other names: NM_177438.3(DICER1):c.2685dup; p.Phe896fs; c.2685dup, p.Phe896fs (NM_001195573.1, NM_001271282.3, NM_001291628.2 and 1 more transcripts); c.2685dupA (NM_001195573.1); short protein forms F896fs.
Identifiers: ClinVar variation 929411 (VCV000929411.2), dbSNP rs1891565957, ClinGen allele CA1139663653.